The following is an entry in ClinVar:

ClinVar aggregate classification (germline): Uncertain significance (1 of 4 stars; one submission).

Submission:

GeneDx
Classification: Uncertain significance. Last evaluated: 2023-06-12. Review status: criteria provided, single submitter. Criteria: GeneDx Variant Classification Process June 2021. Collection method: clinical testing. Allele origin: germline. Affected: yes.
Comment: Not observed at significant frequency in large population cohorts (gnomAD); In silico analysis supports that this missense variant has a deleterious effect on protein structure/function; Has not been previously published as pathogenic or benign to our knowledge

NM_170675.5(MEIS2):c.446A>G (p.Gln149Arg)

Gene: MEIS2 (Meis homeobox 2; minus strand). Cytogenetic location: 15q14.
Variant type: single nucleotide variant.
Coding change: c.446A>G on transcript NM_170675.5 (MANE Select); coding-DNA position 446, A replaced by G.
Protein change: p.Gln149Arg; replaces glutamine 149 with arginine.
Molecular consequence: missense variant. On other transcripts: non-coding transcript variant (1).
Genome position (GRCh38, 1-based): chr15:37,094,570, T>C on the plus strand (A>G on the coding strand, the complement: MEIS2 is on the minus strand). VCF-style: chr15-37094570-T-C. GRCh37 (hg19) VCF-style: chr15-37386771-T-C.
Other names: c.446A>G, p.Gln149Arg (NM_001220482.2, NM_170674.5, NM_170676.5 and 1 more transcripts); c.407A>G, p.Gln136Arg (NM_002399.4, NM_172315.3); c.182A>G, p.Gln61Arg (NM_172316.3); short protein forms Q136R, Q149R, Q61R.
Identifiers: ClinVar variation 3359436 (VCV003359436.1).